The following is an entry in ClinVar:

NM_002968.3(SALL1):c.1513C>T (p.His505Tyr)

Gene: SALL1 (spalt like transcription factor 1; minus strand). Cytogenetic location: 16q12.1.
Variant type: single nucleotide variant.
Coding change: c.1513C>T on transcript NM_002968.3 (MANE Select); coding-DNA position 1513, C replaced by T.
Protein change: p.His505Tyr; replaces histidine 505 with tyrosine.
Molecular consequence: missense variant.
Genome position (GRCh38, 1-based): chr16:51,140,709, G>A on the plus strand (C>T on the coding strand, the complement: SALL1 is on the minus strand). VCF-style: chr16-51140709-G-A. GRCh37 (hg19) VCF-style: chr16-51174620-G-A.
Other names: c.1222C>T, p.His408Tyr (NM_001127892.2); short protein forms H505Y, H408Y.
Identifiers: ClinVar variation 4989575 (VCV004989575.1).
Genomic context (GRCh38, chr16:51,140,709, plus strand): 5'-CAGTACTCGTGGGGATATTGTCCAAATGCTCAGGCACAGGATAGGGGTTCATCTGGATAT[G>A]AGGGTATTTCTCTTTGTGGCGCTGAAAGTGGACTTTCAGATTCCCCTTGGTGGAGAACCT-3'
Protein context (NP_002959.2, residues 495-515): HFQRHKEKYP[His505Tyr]IQMNPYPVPE

ClinVar aggregate classification (germline): Uncertain significance (1 of 4 stars; one submission).

Conditions:
SALL1-related disorder. Also called: SALL1-related condition.

gnomAD v4.1: 37 of 1,614,068 alleles (0.0023%); highest among the groups gnomAD compares: Non-Finnish European, 0.0031%; no homozygotes.

Submission:

PreventionGenetics, part of Exact Sciences
Classification: Uncertain significance for SALL1-related condition. Last evaluated: 2025-07-02. Review status: criteria provided, single submitter. Criteria: ACMG Guidelines, 2015. Collection method: clinical testing. Allele origin: germline.
Comment: The SALL1 c.1513C>T variant is predicted to result in the amino acid substitution p.His505Tyr. To our knowledge, this variant has not been reported in the literature. This variant is reported in 0.0023% of alleles in individuals of European (Non-Finnish) descent in gnomAD. This variant could be benign. At this time, the clinical significance of this variant is uncertain due to the absence of conclusive functional and genetic evidence.